The following is an entry in ClinVar:

NM_015040.4(PIKFYVE):c.1954G>A (p.Val652Ile)

Gene: PIKFYVE (phosphoinositide kinase, FYVE-type zinc finger containing; plus strand). Cytogenetic location: 2q34.
Variant type: single nucleotide variant.
Coding change: c.1954G>A on transcript NM_015040.4 (MANE Select); coding-DNA position 1954, G replaced by A.
Protein change: p.Val652Ile; replaces valine 652 with isoleucine.
Molecular consequence: missense variant.
Genome position (GRCh38, 1-based): chr2:208,315,320, G>A. VCF-style: chr2-208315320-G-A. GRCh37 (hg19) VCF-style: chr2-209180044-G-A.
Other names: short protein forms V652I.
Identifiers: ClinVar variation 898420 (VCV000898420.5), dbSNP rs145916346, ClinGen allele CA2079685.

ClinVar aggregate classification (germline): Benign. Review status: criteria provided, multiple submitters, no conflicts (2 of 4 stars). 2 submissions from 2 submitters: Benign (2). Last evaluated 2018-01-13.

Conditions:
Fleck corneal dystrophy (CFD). Also called: CORNEAL DYSTROPHY, FRANCOIS-NEETENS SPECKLED OR FLECKED. Identifiers: Orphanet 98970, MedGen C1562113, MONDO:0007376, OMIM 121850.

Allele frequency attached by ClinVar (database versions not stated): gnomAD 0.00007 and 0.00014; TOPMed 0.00009; ESP Exome Variant Server 0.00023; 1000 Genomes Project 30x 0.00031; 1000 Genomes Project 0.00040; ExAC 0.00049.
gnomAD v4.1: 374 of 1,614,188 alleles (0.023%); highest among the groups gnomAD compares: South Asian, 0.28%; 3 homozygotes.

Submissions (2):

Illumina Laboratory Services, Illumina
Classification: Benign for Fleck corneal dystrophy. Last evaluated: 2018-01-13. Review status: criteria provided, single submitter. Criteria: ICSL Variant Classification Criteria 13 December 2019. Collection method: clinical testing. Allele origin: germline.
Comment: This variant was observed in the ICSL laboratory as part of a predisposition screen in an ostensibly healthy population. It had not been previously curated by ICSL or reported in the Human Gene Mutation Database (HGMD: prior to June 1st, 2018), and was therefore a candidate for classification through an automated scoring system. Utilizing variant allele frequency, disease prevalence and penetrance estimates, and inheritance mode, an automated score was calculated to assess if this variant is too frequent to cause the disease. Based on the score and internal cut-off values, a variant classified as benign is not then subjected to further curation. The score for this variant resulted in a classification of benign for this disease.

Breakthrough Genomics
Classification: Benign. Review status: criteria provided, single submitter. Criteria: ACMG Guidelines, 2015. Collection method: not provided. Allele origin: germline. Inheritance: Autosomal dominant inheritance. Affected: yes.